The following is an entry in ClinVar:

ClinVar aggregate classification (germline): Uncertain significance. Review status: criteria provided, multiple submitters, no conflicts (2 of 4 stars). 4 submissions from 4 submitters: Uncertain significance (4). Last evaluated 2024-09-24.

Conditions:
Charcot-Marie-Tooth disease type 2. Also called: Charcot-Marie-Tooth type 2. Identifiers: Orphanet 64746, MedGen C0270914, MONDO:0018993.
Inborn genetic diseases. Identifiers: MedGen C0950123, MeSH D030342.

Allele frequency attached by ClinVar (database versions not stated): TOPMed 0.00002; ESP Exome Variant Server 0.00008.
gnomAD v4.1: 173 of 1,614,016 alleles (0.011%); highest among the groups gnomAD compares: Non-Finnish European, 0.014%; no homozygotes.

Submissions (4):

Labcorp Genetics (formerly Invitae), Labcorp
Classification: Uncertain significance for Charcot-Marie-Tooth disease type 2. Last evaluated: 2024-09-24. Review status: criteria provided, single submitter. Criteria: Invitae Variant Classification Sherloc (09022015). Collection method: clinical testing. Allele origin: germline.
Comment: This sequence change replaces glycine, which is neutral and non-polar, with arginine, which is basic and polar, at codon 548 of the MFN2 protein (p.Gly548Arg). This variant is present in population databases (rs373368672, gnomAD 0.007%). This variant has not been reported in the literature in individuals affected with MFN2-related conditions. ClinVar contains an entry for this variant (Variation ID: 214645). Invitae Evidence Modeling of protein sequence and biophysical properties (such as structural, functional, and spatial information, amino acid conservation, physicochemical variation, residue mobility, and thermodynamic stability) indicates that this missense variant is expected to disrupt MFN2 protein function with a positive predictive value of 95%. Algorithms developed to predict the effect of sequence changes on RNA splicing suggest that this variant may create or strengthen a splice site. In summary, the available evidence is currently insufficient to determine the role of this variant in disease. Therefore, it has been classified as a Variant of Uncertain Significance.

CeGaT Center for Human Genetics Tuebingen
Classification: Uncertain significance. Last evaluated: 2022-07-01. Review status: criteria provided, single submitter. Criteria: CeGaT Center For Human Genetics Tuebingen Variant Classification Criteria Version 2. Collection method: clinical testing. Allele origin: germline. Affected: yes. Observed: 1 variant allele.
Comment: MFN2: PP3

Ambry Genetics
Classification: Uncertain significance for Inborn genetic diseases. Last evaluated: 2021-10-06. Review status: criteria provided, single submitter. Criteria: Ambry Variant Classification Scheme 2023. Collection method: clinical testing. Allele origin: germline.

Blueprint Genetics
Classification: Uncertain significance. Last evaluated: 2020-05-06. Review status: criteria provided, single submitter. Criteria: ACMG Guidelines, 2015. Collection method: clinical testing. Allele origin: germline.

NM_014874.4(MFN2):c.1642G>A (p.Gly548Arg)

Genes: MFN2 (mitofusin 2; plus strand), LOC129929426 (ATAC-STARR-seq lymphoblastoid active region 185; plus strand). Cytogenetic location: 1p36.22.
Variant type: single nucleotide variant.
Coding change: c.1642G>A on transcript NM_014874.4 (MANE Select); coding-DNA position 1642, G replaced by A.
Protein change: p.Gly548Arg; replaces glycine 548 with arginine.
Molecular consequence: missense variant.
Genome position (GRCh38, 1-based): chr1:12,005,857, G>A. VCF-style: chr1-12005857-G-A. GRCh37 (hg19) VCF-style: chr1-12065914-G-A.
Other names: c.1642G>A, p.Gly548Arg (NM_001127660.2); short protein forms G548R.
Identifiers: ClinVar variation 214645 (VCV000214645.41), dbSNP rs373368672, ClinGen allele CA321946.